The following is an entry in ClinVar:

NM_177438.3(DICER1):c.4205T>C (p.Met1402Thr)

Gene: DICER1 (dicer 1, ribonuclease III; minus strand). Cytogenetic location: 14q32.13.
Variant type: single nucleotide variant.
Coding change: c.4205T>C on transcript NM_177438.3 (MANE Select); coding-DNA position 4205, T replaced by C.
Protein change: p.Met1402Thr; replaces methionine 1402 with threonine.
Molecular consequence: missense variant. On other transcripts: non-coding transcript variant (6).
Genome position (GRCh38, 1-based): chr14:95,099,781, A>G on the plus strand (T>C on the coding strand, the complement: DICER1 is on the minus strand). VCF-style: chr14-95099781-A-G. GRCh37 (hg19) VCF-style: chr14-95566118-A-G.
Other names: c.4205T>C, p.Met1402Thr (NM_001395693.1, NM_001395694.1, NM_001395695.1 and 13 more transcripts); c.3800T>C, p.Met1267Thr (NM_001395696.1, NM_001395687.1, NM_001395688.1 and 2 more transcripts); c.2522T>C, p.Met841Thr (NM_001395697.1); c.3923T>C, p.Met1308Thr (NM_001395686.1); c.3638T>C, p.Met1213Thr (NM_001395691.1); short protein forms M1213T, M1267T, M1308T, M1402T, M841T.
Identifiers: ClinVar variation 2506756 (VCV002506756.1), dbSNP rs1890709868, ClinGen allele CA390871689.

ClinVar aggregate classification (germline): Uncertain significance (1 of 4 stars; one submission).

Submission:

GeneDx
Classification: Uncertain significance. Last evaluated: 2022-12-23. Review status: criteria provided, single submitter. Criteria: GeneDx Variant Classification Process June 2021. Collection method: clinical testing. Allele origin: germline. Affected: yes.
Comment: Not observed at significant frequency in large population cohorts (gnomAD); In silico analysis supports that this missense variant does not alter protein structure/function; Has not been previously published as pathogenic or benign to our knowledge; This variant is associated with the following publications: (PMID: 33218058)